The following is an entry in ClinVar:

NM_000038.6(APC):c.3452A>G (p.Glu1151Gly)

Gene: APC (APC regulator of Wnt signaling pathway; plus strand). Cytogenetic location: 5q22.2.
Variant type: single nucleotide variant.
Coding change: c.3452A>G on transcript NM_000038.6 (MANE Select); coding-DNA position 3452, A replaced by G.
Protein change: p.Glu1151Gly; replaces glutamic acid 1151 with glycine.
Molecular consequence: missense variant.
Genome position (GRCh38, 1-based): chr5:112,839,046, A>G. VCF-style: chr5-112839046-A-G. GRCh37 (hg19) VCF-style: chr5-112174743-A-G.
Other names: c.3452A>G, p.Glu1151Gly (NM_001127510.3, NM_001354895.2, NM_001407450.1); c.3398A>G, p.Glu1133Gly (NM_001127511.3); c.3506A>G, p.Glu1169Gly (NM_001354896.2, NM_001407447.1, NM_001407448.1 and 1 more transcripts); c.3482A>G, p.Glu1161Gly (NM_001354897.2); c.3377A>G, p.Glu1126Gly (NM_001354898.2); c.3368A>G, p.Glu1123Gly (NM_001354899.2); c.3329A>G, p.Glu1110Gly (NM_001354900.2); c.3275A>G, p.Glu1092Gly (NM_001354901.2, NM_001407453.1); and 11 more; short protein forms E1141G, E1144G, E1025G, E1050G, E1068G, E1126G, E1133G, E1161G.
Identifiers: ClinVar variation 1995344 (VCV001995344.4), dbSNP rs2149892227, ClinGen allele CA16028903.

ClinVar aggregate classification (germline): Uncertain significance (1 of 4 stars; one submission).

Conditions:
Familial adenomatous polyposis 1 (FAP1). Also called: FAMILIAL ADENOMATOUS POLYPOSIS 1, ATTENUATED; POLYPOSIS, ADENOMATOUS INTESTINAL. Identifiers: MedGen C2713442, MONDO:0021056, OMIM 175100. Disease mechanism: loss of function.

Submission:

Labcorp Genetics (formerly Invitae), Labcorp
Classification: Uncertain significance for Familial adenomatous polyposis 1. Last evaluated: 2024-09-16. Review status: criteria provided, single submitter. Criteria: Invitae Variant Classification Sherloc (09022015). Collection method: clinical testing. Allele origin: germline.
Comment: This sequence change replaces glutamic acid, which is acidic and polar, with glycine, which is neutral and non-polar, at codon 1151 of the APC protein (p.Glu1151Gly). This variant is not present in population databases (gnomAD no frequency). This variant has not been reported in the literature in individuals affected with APC-related conditions. ClinVar contains an entry for this variant (Variation ID: 1995344). Invitae Evidence Modeling of protein sequence and biophysical properties (such as structural, functional, and spatial information, amino acid conservation, physicochemical variation, residue mobility, and thermodynamic stability) indicates that this missense variant is not expected to disrupt APC protein function with a negative predictive value of 95%. In summary, the available evidence is currently insufficient to determine the role of this variant in disease. Therefore, it has been classified as a Variant of Uncertain Significance.